The following is an entry in ClinVar:

NM_001042492.3(NF1):c.197_198insATAA (p.Asn66delinsLysTer)

Gene: NF1 (neurofibromin 1; plus strand). Cytogenetic location: 17q11.2.
Variant type: Insertion.
Coding change: c.197_198insATAA on transcript NM_001042492.3 (MANE Select); coding-DNA positions 197 to 198, ATAA inserted.
Protein change: p.Asn66delinsLysTer.
Molecular consequence: nonsense. On other transcripts: frameshift variant (1).
Genome position: GRCh38 VCF-style: chr17-31156116-T-TTAAA. GRCh37 (hg19) VCF-style: chr17-29483134-T-TTAAA.
Other names: c.197_198insATAA, p.Asn66Lysfs (NM_000267.4); c.197_198insATAA, p.Asn66delinsLysTer (NM_001128147.3).
Identifiers: ClinVar variation 2747072 (VCV002747072.3), dbSNP rs2544681815, ClinGen allele CA2697559526.

ClinVar aggregate classification (germline): Pathogenic (1 of 4 stars; one submission).

Conditions:
Neurofibromatosis, type 1 (NF1). Also called: Peripheral type neurofibromatosis; NEUROFIBROMATOSIS, TYPE I, SOMATIC; VON RECKLINGHAUSEN DISEASE; Neurofibromatosis, type I. Identifiers: Orphanet 636, MedGen C0027831, MONDO:0018975, OMIM 162200. Disease mechanism: loss of function.

Submission:

Labcorp Genetics (formerly Invitae), Labcorp
Classification: Pathogenic for Neurofibromatosis, type 1. Last evaluated: 2023-07-26. Review status: criteria provided, single submitter. Criteria: Invitae Variant Classification Sherloc (09022015). Collection method: clinical testing. Allele origin: germline.
Comment: For these reasons, this variant has been classified as Pathogenic. This variant has not been reported in the literature in individuals affected with NF1-related conditions. This sequence change creates a premature translational stop signal (p.Asn66Lysfs*2) in the NF1 gene. It is expected to result in an absent or disrupted protein product. Loss-of-function variants in NF1 are known to be pathogenic (PMID: 10712197, 23913538). This variant is not present in population databases (gnomAD no frequency).

Literature cited by the submitters: PubMed 10712197; PubMed 23913538.